The following is an entry in ClinVar:

NM_000094.4(COL7A1):c.4402-5_4402-2del

Gene: COL7A1 (collagen type VII alpha 1 chain; minus strand). Cytogenetic location: 3p21.31.
Variant type: Deletion.
Coding change: c.4402-5_4402-2del on transcript NM_000094.4 (MANE Select); 5 bases into the intron before coding-DNA position 4402 through the canonical splice acceptor site of the intron before coding-DNA position 4402, 4 bases deleted (TCCA; older notation c.4402-5_4402-2delTCCA).
Molecular consequence: splice acceptor variant.
Genome position (GRCh38, 1-based): chr3:48,583,430-48,583,433, TGGA deleted on the plus strand (TCCA on the coding strand, the reverse complement: COL7A1 is on the minus strand). VCF-style (leftmost placement, unchanged base first): chr3-48583429-CTGGA-C. GRCh37 (hg19) VCF-style: chr3-48620862-CTGGA-C.
Identifiers: ClinVar variation 1964226 (VCV001964226.5), dbSNP rs2531144033, ClinGen allele CA2580070056.

ClinVar aggregate classification (germline): Likely pathogenic (1 of 4 stars; one submission).

Submission:

Labcorp Genetics (formerly Invitae), Labcorp
Classification: Likely pathogenic. Last evaluated: 2022-06-04. Review status: criteria provided, single submitter. Criteria: Invitae Variant Classification Sherloc (09022015). Collection method: clinical testing. Allele origin: germline.
Comment: Algorithms developed to predict the effect of sequence changes on RNA splicing suggest that this variant may disrupt the consensus splice site. In summary, the currently available evidence indicates that the variant is pathogenic, but additional data are needed to prove that conclusively. Therefore, this variant has been classified as Likely Pathogenic. This variant has not been reported in the literature in individuals affected with COL7A1-related conditions. This variant is not present in population databases (gnomAD no frequency). This sequence change affects a splice site in intron 40 of the COL7A1 gene. It is expected to disrupt splicing. Variants that disrupt the donor or acceptor splice site typically lead to a loss of protein function (PMID: 16199547), and loss-of-function variants in COL7A1 are known to be disease-causing for autosomal recessive dystrophic epidermolysis bullosa (PMID: 16971478). However, certain variants affecting donor or acceptor splice sites in the triple helical domain of COL7A1 are expected to result in in-frame exon skipping and have been reported to cause autosomal dominant dystrophic epidermolysis bullosa (PMID: 31670143).

Literature cited by the submitters: PubMed 16199547; PubMed 16971478; PubMed 31670143.